The following is an entry in ClinVar:

NM_004667.6(HERC2):c.11300-15C>G

Gene: HERC2 (HECT and RLD domain containing E3 ubiquitin protein ligase 2; minus strand). Cytogenetic location: 15q13.1.
Variant type: single nucleotide variant.
Coding change: c.11300-15C>G on transcript NM_004667.6 (MANE Select); 15 bases into the intron before coding-DNA position 11300, C replaced by G.
Molecular consequence: intron variant.
Genome position (GRCh38, 1-based): chr15:28,144,006, G>C on the plus strand (C>G on the coding strand, the complement: HERC2 is on the minus strand). VCF-style: chr15-28144006-G-C. GRCh37 (hg19) VCF-style: chr15-28389152-G-C.
Identifiers: ClinVar variation 2573531 (VCV002573531.1), dbSNP rs771123512, ClinGen allele CA7440594.
Genomic context (GRCh38, chr15:28,144,006, plus strand): 5'-AGCAGCTTCCTCAGTCTCTGAAGGGCCCACATTCTGTGACTGGCAGCTGAAATGAGCAGA[G>C]AGAAAGTATCAGAAGTCTGATGGTTTCTTCCAAGCAGGAAGACAGATGTAACTGTAATGG-3'

ClinVar aggregate classification (germline): Uncertain significance (1 of 4 stars; one submission).

Allele frequency attached by ClinVar (database versions not stated): gnomAD 0.00001; ExAC 0.00002; TOPMed 0.00002.
gnomAD v4.1: 26 of 1,614,044 alleles (0.0016%); highest among the groups gnomAD compares: Non-Finnish European, 0.0022%; no homozygotes.

Submission:

Women's Health and Genetics/Laboratory Corporation of America, LabCorp
Classification: Uncertain significance. Last evaluated: 2023-06-01. Review status: criteria provided, single submitter. Criteria: LabCorp Variant Classification Summary - May 2015. Collection method: clinical testing. Allele origin: germline.
Comment: Variant summary: HERC2 c.11300-15C>G alters a non-conserved nucleotide located close to a canonical splice site and therefore could affect mRNA splicing, leading to a significantly altered protein sequence. 4/4 computational tools predict no significant impact on normal splicing. However, these predictions have yet to be confirmed by functional studies. The variant allele was found at a frequency of 1.2e-05 in 251428 control chromosomes (gnomAD). The available data on variant occurrences in the general population are insufficient to allow any conclusion about variant significance. To our knowledge, no occurrence of c.11300-15C>G in individuals affected with Intellectual Developmental Disorder, Autosomal Recessive 38 and no experimental evidence demonstrating its impact on protein function have been reported. No clinical diagnostic laboratories have submitted clinical-significance assessments for this variant to ClinVar after 2014. Based on the evidence outlined above, the variant was classified as uncertain significance.